The following is an entry in ClinVar:

ClinVar aggregate classification (germline): Uncertain significance. Review status: criteria provided, multiple submitters, no conflicts (2 of 4 stars). 2 submissions from 2 submitters: Uncertain significance (2). Last evaluated 2022-10-21.

Conditions:
Hereditary cancer-predisposing syndrome. Also called: Tumor predisposition; Neoplastic Syndromes, Hereditary; Hereditary Cancer Syndrome; Hereditary neoplastic syndrome. Identifiers: Orphanet 140162, MedGen C0027672, MeSH D009386, MONDO:0015356.
Multiple endocrine neoplasia, type 1 (MEN1). Also called: MEN I; WERMER SYNDROME; Endocrine adenomatosis multiple; MEN 1; MEA I. Identifiers: Orphanet 652, MedGen C0025267, MeSH D018761, MONDO:0007540, OMIM 131100.

Submissions (2):

Ambry Genetics
Classification: Uncertain significance for Hereditary cancer-predisposing syndrome. Last evaluated: 2022-10-21. Review status: criteria provided, single submitter. Criteria: Ambry Variant Classification Scheme 2023. Collection method: clinical testing. Allele origin: germline.
Comment: The p.E469K variant (also known as c.1405G>A), located in coding exon 9 of the MEN1 gene, results from a G to A substitution at nucleotide position 1405. The glutamic acid at codon 469 is replaced by lysine, an amino acid with similar properties. This amino acid position is conserved. In addition, the in silico prediction for this alteration is inconclusive. Since supporting evidence is limited at this time, the clinical significance of this alteration remains unclear.

Labcorp Genetics (formerly Invitae), Labcorp
Classification: Uncertain significance for Multiple endocrine neoplasia, type 1. Last evaluated: 2022-04-09. Review status: criteria provided, single submitter. Criteria: Invitae Variant Classification Sherloc (09022015). Collection method: clinical testing. Allele origin: germline.
Comment: This sequence change replaces glutamic acid, which is acidic and polar, with lysine, which is basic and polar, at codon 469 of the MEN1 protein (p.Glu469Lys). This variant is not present in population databases (gnomAD no frequency). This variant has not been reported in the literature in individuals affected with MEN1-related conditions. Advanced modeling of protein sequence and biophysical properties (such as structural, functional, and spatial information, amino acid conservation, physicochemical variation, residue mobility, and thermodynamic stability) performed at Invitae indicates that this missense variant is not expected to disrupt MEN1 protein function. In summary, the available evidence is currently insufficient to determine the role of this variant in disease. Therefore, it has been classified as a Variant of Uncertain Significance.

NM_001370259.2(MEN1):c.1405G>A (p.Glu469Lys)

Gene: MEN1 (menin 1; minus strand). Cytogenetic location: 11q13.1.
Variant type: single nucleotide variant.
Coding change: c.1405G>A on transcript NM_001370259.2 (MANE Select); coding-DNA position 1405, G replaced by A.
Protein change: p.Glu469Lys; replaces glutamic acid 469 with lysine.
Molecular consequence: missense variant.
Genome position (GRCh38, 1-based): chr11:64,804,762, C>T on the plus strand (G>A on the coding strand, the complement: MEN1 is on the minus strand). VCF-style: chr11-64804762-C-T. GRCh37 (hg19) VCF-style: chr11-64572234-C-T.
Other names: c.1420G>A, p.Glu474Lys (NM_000244.4, NM_001407145.1, NM_130800.3 and 4 more transcripts); c.1531G>A, p.Glu511Lys (NM_001370251.2, NM_001407142.1, NM_001407143.1 and 1 more transcripts); c.1405G>A, p.Glu469Lys (NM_001370260.2, NM_001370261.2, NM_001407146.1 and 2 more transcripts); c.1300G>A, p.Glu434Lys (NM_001370262.2, NM_001370263.2, NM_001407148.1 and 1 more transcripts); c.1546G>A, p.Glu516Lys (NM_001407150.1); c.1426G>A, p.Glu476Lys (NM_001407151.1); c.1240G>A, p.Glu414Lys (NM_001407152.1); short protein forms E476K, E434K, E469K, E474K, E516K, E414K, E511K.
Identifiers: ClinVar variation 1771890 (VCV001771890.7), dbSNP rs1182898331, ClinGen allele CA381179592.